The following is an entry in ClinVar:

NM_206933.4(USH2A):c.5111A>T (p.Asn1704Ile)

Genes: USH2A (usherin; minus strand), USH2A-AS2 (USH2A antisense RNA 2; plus strand). Cytogenetic location: 1q41.
Variant type: single nucleotide variant.
Coding change: c.5111A>T on transcript NM_206933.4 (MANE Select); coding-DNA position 5111, A replaced by T.
Protein change: p.Asn1704Ile; replaces asparagine 1704 with isoleucine.
Molecular consequence: missense variant.
Genome position (GRCh38, 1-based): chr1:216,084,754, T>A on the plus strand (A>T on the coding strand, the complement: USH2A is on the minus strand). VCF-style: chr1-216084754-T-A. GRCh37 (hg19) VCF-style: chr1-216258096-T-A.
Other names: short protein forms N1704I.
Identifiers: ClinVar variation 287703 (VCV000287703.7), dbSNP rs764080143, ClinGen allele CA1395537.
Genomic context (GRCh38, chr1:216,084,754, plus strand): 5'-TTACCTGCTCCTAGGAACTGAGCTCCCTCATTTAATGAAGCGGGACATCCCTCCCAGCTG[T>A]TATACACGTTGATTTGTTCTTCAGAACTCTGCCAATCCAGAGGTTCCCAAATAGCTGACG-3'
Protein context (NP_996816.3, residues 1694-1714): QSSEEQINVY[Asn1704Ile]SWEGCPASLN

ClinVar aggregate classification (germline): Uncertain significance. Review status: criteria provided, multiple submitters, no conflicts (2 of 4 stars). 4 submissions from 3 submitters: Uncertain significance (4). Last evaluated 2023-11-04.

Conditions:
Retinitis pigmentosa 39 (RP39). Identifiers: Orphanet 791, MedGen C3151138, MONDO:0013436, OMIM 613809.
Usher syndrome type 2A. Also called: USHER SYNDROME, TYPE IIA; RETINAL DISEASE IN USHER SYNDROME TYPE IIA, MODIFIER OF. Identifiers: Orphanet 231178, Orphanet 886, MedGen C1848634, MONDO:0010169, OMIM 276901.

Allele frequency attached by ClinVar (database versions not stated): gnomAD exomes below 0.00001 and 0.00002; ExAC 0.00001; gnomAD 0.00001; TOPMed 0.00001.
gnomAD v4.1: 32 of 1,613,444 alleles (0.002%); highest among the groups gnomAD compares: Non-Finnish European, 0.0025%; no homozygotes.

Submissions (4):

Genome-Nilou Lab
Classification: Uncertain significance for Retinitis pigmentosa 39. Last evaluated: 2023-11-04. Review status: criteria provided, single submitter. Criteria: ACMG Guidelines, 2015. Collection method: clinical testing. Allele origin: germline. Affected: no.

Genome-Nilou Lab
Classification: Uncertain significance for Usher syndrome type 2A. Last evaluated: 2023-11-04. Review status: criteria provided, single submitter. Criteria: ACMG Guidelines, 2015. Collection method: clinical testing. Allele origin: germline. Affected: no.

Labcorp Genetics (formerly Invitae), Labcorp
Classification: Uncertain significance. Last evaluated: 2022-09-01. Review status: criteria provided, single submitter. Criteria: Invitae Variant Classification Sherloc (09022015). Collection method: clinical testing. Allele origin: germline.
Comment: This sequence change replaces asparagine, which is neutral and polar, with isoleucine, which is neutral and non-polar, at codon 1704 of the USH2A protein (p.Asn1704Ile). The frequency data for this variant in the population databases is considered unreliable, as metrics indicate poor data quality at this position in the gnomAD database. This variant has not been reported in the literature in individuals affected with USH2A-related conditions. ClinVar contains an entry for this variant (Variation ID: 287703). Algorithms developed to predict the effect of missense changes on protein structure and function are either unavailable or do not agree on the potential impact of this missense change (SIFT: "Deleterious"; PolyPhen-2: "Benign"; Align-GVGD: "Class C0"). In summary, the available evidence is currently insufficient to determine the role of this variant in disease. Therefore, it has been classified as a Variant of Uncertain Significance.

Eurofins Ntd Llc (ga)
Classification: Uncertain significance. Last evaluated: 2016-05-24. Review status: criteria provided, single submitter. Criteria: EGL Classification Definitions 2015. Collection method: clinical testing. Allele origin: germline. Observed: 1 variant allele, 1 heterozygote.